The following is an entry in ClinVar:

NM_024652.6(LRRK1):c.3528G>A (p.Thr1176=)

Genes: LRRK1 (leucine rich repeat kinase 1; plus strand), LRRK1-AS1 (LRRK1 antisense RNA 1; minus strand). Cytogenetic location: 15q26.3.
Variant type: single nucleotide variant.
Coding change: c.3528G>A on transcript NM_024652.6 (MANE Select); coding-DNA position 3528, G replaced by A.
Protein change: p.Thr1176=; no amino-acid change (threonine 1176 retained).
Molecular consequence: synonymous variant.
Genome position (GRCh38, 1-based): chr15:101,051,799, G>A. VCF-style: chr15-101051799-G-A. GRCh37 (hg19) VCF-style: chr15-101592004-G-A.
Other names: c.3528G>A (NM_024652.5).
Identifiers: ClinVar variation 1669219 (VCV001669219.34), dbSNP rs201580059, ClinGen allele CA7761552.

ClinVar aggregate classification (germline): Benign/Likely benign. Review status: criteria provided, multiple submitters, no conflicts (2 of 4 stars). 4 submissions from 4 submitters: Benign (1); Likely benign (2). 1 of the submissions does not count toward it. Last evaluated 2026-01-16.

Conditions:
LRRK1-related disorder. Also called: LRRK1-related condition.

Allele frequency attached by ClinVar (database versions not stated): gnomAD 0.00084 and 0.00108; ESP Exome Variant Server 0.00094; gnomAD exomes 0.00139; ExAC 0.00164; 1000 Genomes Project 0.00220; 1000 Genomes Project 30x 0.00234.
gnomAD v4.1: 2,470 of 1,614,102 alleles (0.15%); highest among the groups gnomAD compares: South Asian, 0.52%; 2 homozygotes.

Submissions (4):

Labcorp Genetics (formerly Invitae), Labcorp
Classification: Benign. Last evaluated: 2026-01-16. Review status: criteria provided, single submitter. Criteria: Invitae Variant Classification Sherloc (09022015). Collection method: clinical testing. Allele origin: germline.

Blueprint Genetics
Classification: Likely benign. Last evaluated: 2024-11-13. Review status: criteria provided, single submitter. Criteria: ACMG Guidelines, 2015. Collection method: clinical testing. Allele origin: germline.

CeGaT Center for Human Genetics Tuebingen
Classification: Likely benign. Last evaluated: 2022-09-01. Review status: criteria provided, single submitter. Criteria: CeGaT Center For Human Genetics Tuebingen Variant Classification Criteria Version 2. Collection method: clinical testing. Allele origin: germline. Affected: yes. Observed: 1 variant allele.
Comment: LRRK1: BP4, BP7

PreventionGenetics, part of Exact Sciences
Classification: Likely benign for LRRK1-related condition. Last evaluated: 2019-04-22. Review status: no assertion criteria provided. Collection method: clinical testing. Allele origin: germline. Not counted in ClinVar's aggregate classification.
Comment: This variant is classified as likely benign based on ACMG/AMP sequence variant interpretation guidelines (Richards et al. 2015 PMID: 25741868, with internal and published modifications).